The following is an entry in ClinVar:

ClinVar aggregate classification (germline): Uncertain significance (1 of 4 stars; one submission).

Conditions:
HNF1B-related disorder. Also called: HNF1B-related condition; HNF1B-related disorders.

gnomAD v4.1: 2 of 1,613,472 alleles (0.00012%); highest among the groups gnomAD compares: African/African-American, 0.0013%; no homozygotes.

Submission:

PreventionGenetics, part of Exact Sciences
Classification: Uncertain significance for HNF1B-related condition. Last evaluated: 2025-07-06. Review status: criteria provided, single submitter. Criteria: ACMG Guidelines, 2015. Collection method: clinical testing. Allele origin: germline.
Comment: The HNF1B c.199A>T variant is predicted to result in the amino acid substitution p.Asn67Tyr. To our knowledge, this variant has not been reported in the literature or in a large population database (gnomAD), indicating this variant is rare. At this time, the clinical significance of this variant is uncertain due to the absence of conclusive functional and genetic evidence.

NM_000458.4(HNF1B):c.199A>T (p.Asn67Tyr)

Gene: HNF1B (HNF1 homeobox B; minus strand). Cytogenetic location: 17q12.
Variant type: single nucleotide variant.
Coding change: c.199A>T on transcript NM_000458.4 (MANE Select); coding-DNA position 199, A replaced by T.
Protein change: p.Asn67Tyr; replaces asparagine 67 with tyrosine.
Molecular consequence: missense variant.
Genome position (GRCh38, 1-based): chr17:37,744,686, T>A on the plus strand (A>T on the coding strand, the complement: HNF1B is on the minus strand). VCF-style: chr17-37744686-T-A. GRCh37 (hg19) VCF-style: chr17-36104677-T-A.
Other names: c.199A>T, p.Asn67Tyr (NM_001165923.4, NM_001304286.2, NM_001411100.1); short protein forms N67Y.
Identifiers: ClinVar variation 4999798 (VCV004999798.1).